The following is an entry in ClinVar:

ClinVar aggregate classification (germline): Uncertain significance (1 of 4 stars; one submission).

Conditions:
Neurofibromatosis, type 1 (NF1). Also called: Neurofibromatosis, type I; VON RECKLINGHAUSEN DISEASE; NEUROFIBROMATOSIS, TYPE I, SOMATIC; Peripheral type neurofibromatosis. Identifiers: Orphanet 636, MedGen C0027831, MONDO:0018975, OMIM 162200. Disease mechanism: loss of function.

Submission:

Labcorp Genetics (formerly Invitae), Labcorp
Classification: Uncertain significance for Neurofibromatosis, type 1. Last evaluated: 2021-09-24. Review status: criteria provided, single submitter. Criteria: Invitae Variant Classification Sherloc (09022015). Collection method: clinical testing. Allele origin: germline.
Comment: This sequence change replaces glutamic acid with lysine at codon 1089 of the NF1 protein (p.Glu1089Lys). The glutamic acid residue is moderately conserved and there is a small physicochemical difference between glutamic acid and lysine. This variant is not present in population databases (ExAC no frequency). This variant has not been reported in the literature in individuals affected with NF1-related conditions. Advanced modeling of protein sequence and biophysical properties (such as structural, functional, and spatial information, amino acid conservation, physicochemical variation, residue mobility, and thermodynamic stability) performed at Invitae indicates that this missense variant is expected to disrupt NF1 protein function. In summary, the available evidence is currently insufficient to determine the role of this variant in disease. Therefore, it has been classified as a Variant of Uncertain Significance.

NM_001042492.3(NF1):c.3265G>A (p.Glu1089Lys)

Gene: NF1 (neurofibromin 1; plus strand). Cytogenetic location: 17q11.2.
Variant type: single nucleotide variant.
Coding change: c.3265G>A on transcript NM_001042492.3 (MANE Select); coding-DNA position 3265, G replaced by A.
Protein change: p.Glu1089Lys; replaces glutamic acid 1089 with lysine.
Molecular consequence: missense variant.
Genome position (GRCh38, 1-based): chr17:31,232,140, G>A. VCF-style: chr17-31232140-G-A. GRCh37 (hg19) VCF-style: chr17-29559158-G-A.
Other names: c.3265G>A, p.Glu1089Lys (NM_000267.4); short protein forms E1089K.
Identifiers: ClinVar variation 1477259 (VCV001477259.6), dbSNP rs9907627, ClinGen allele CA289337588.